The following is an entry in ClinVar:

NM_000135.4(FANCA):c.4063C>T (p.His1355Tyr)

Genes: FANCA (FA complementation group A; minus strand), ZNF276 (zinc finger protein 276; plus strand). Cytogenetic location: 16q24.3.
Variant type: single nucleotide variant.
Coding change: c.4063C>T on transcript NM_000135.4 (MANE Select); coding-DNA position 4063, C replaced by T.
Protein change: p.His1355Tyr; replaces histidine 1355 with tyrosine.
Molecular consequence: missense variant. On other transcripts: 3 prime UTR variant (2), non-coding transcript variant (4).
Genome position (GRCh38, 1-based): chr16:89,739,237, G>A on the plus strand (C>T on the coding strand, the complement: FANCA is on the minus strand). VCF-style: chr16-89739237-G-A. GRCh37 (hg19) VCF-style: chr16-89805645-G-A.
Other names: c.4063C>T, p.His1355Tyr (NM_001286167.3); c.*991G>A (NM_001113525.2, NM_152287.4); short protein forms H1355Y.
Identifiers: ClinVar variation 5036341 (VCV005036341.1).

ClinVar aggregate classification (germline): Uncertain significance (1 of 4 stars; one submission).

Conditions:
Inborn genetic diseases. Identifiers: MedGen C0950123, MeSH D030342.

gnomAD v4.1: 1 of 1,614,170 alleles (0.000062%); highest among the groups gnomAD compares: Non-Finnish European, 0.000085%; no homozygotes.

Submission:

Ambry Genetics
Classification: Uncertain significance for Inborn genetic diseases. Last evaluated: 2026-07-09. Review status: criteria provided, single submitter. Criteria: Ambry Variant Classification Scheme 2023. Collection method: clinical testing. Allele origin: germline.
Comment: The p.H1355Y variant (also known as c.4063C>T), located in coding exon 41 of the FANCA gene, results from a C to T substitution at nucleotide position 4063. The histidine at codon 1355 is replaced by tyrosine, an amino acid with similar properties. This amino acid position is conserved. In addition, this alteration is predicted to be tolerated by in silico analysis. Based on the available evidence, the clinical significance of this variant remains unclear.